The following is an entry in ClinVar:

ClinVar aggregate classification (germline): Uncertain significance (1 of 4 stars; one submission).

Conditions:
Inborn genetic diseases. Identifiers: MedGen C0950123, MeSH D030342.

Submission:

Ambry Genetics
Classification: Uncertain significance for Inborn genetic diseases. Last evaluated: 2025-04-19. Review status: criteria provided, single submitter. Criteria: Ambry Variant Classification Scheme 2023. Collection method: clinical testing. Allele origin: germline.
Comment: The p.F330Y variant (also known as c.989T>A), located in coding exon 8 of the RUNX1 gene, results from a T to A substitution at nucleotide position 989. The phenylalanine at codon 330 is replaced by tyrosine, an amino acid with highly similar properties. This amino acid position is conserved. In addition, the in silico prediction for this alteration is inconclusive. Based on the available evidence, the clinical significance of this variant remains unclear.

NM_001754.5(RUNX1):c.989T>A (p.Phe330Tyr)

Gene: RUNX1 (RUNX family transcription factor 1; minus strand). Cytogenetic location: 21q22.12.
Variant type: single nucleotide variant.
Coding change: c.989T>A on transcript NM_001754.5 (MANE Select); coding-DNA position 989, T replaced by A.
Protein change: p.Phe330Tyr; replaces phenylalanine 330 with tyrosine.
Molecular consequence: missense variant.
Genome position (GRCh38, 1-based): chr21:34,792,589, A>T on the plus strand (T>A on the coding strand, the complement: RUNX1 is on the minus strand). VCF-style: chr21-34792589-A-T. GRCh37 (hg19) VCF-style: chr21-36164886-A-T.
Other names: c.908T>A, p.Phe303Tyr (NM_001001890.3); short protein forms F303Y, F330Y.
Identifiers: ClinVar variation 3948868 (VCV003948868.1).